The following is an entry in ClinVar:

NM_001165963.4(SCN1A):c.4426A>T (p.Asn1476Tyr)

Genes: SCN1A (sodium voltage-gated channel alpha subunit 1; minus strand), LOC102724058 (uncharacterized LOC102724058; plus strand). Cytogenetic location: 2q24.3.
Variant type: single nucleotide variant.
Coding change: c.4426A>T on transcript NM_001165963.4 (MANE Select); coding-DNA position 4426, A replaced by T.
Protein change: p.Asn1476Tyr; replaces asparagine 1476 with tyrosine.
Molecular consequence: missense variant. On other transcripts: non-coding transcript variant (1).
Genome position (GRCh38, 1-based): chr2:165,998,088, T>A on the plus strand (A>T on the coding strand, the complement: SCN1A is on the minus strand). VCF-style: chr2-165998088-T-A. GRCh37 (hg19) VCF-style: chr2-166854598-T-A.
Other names: c.4390A>T, p.Asn1464Tyr (NM_001353955.2, NM_001353954.2); c.4342A>T, p.Asn1448Tyr (NM_001353957.2, NM_001353958.2, NM_001165964.3); c.4339A>T, p.Asn1447Tyr (NM_001353960.2); c.1984A>T, p.Asn662Tyr (NM_001353961.2); c.4393A>T, p.Asn1465Tyr (NM_006920.6, NM_001353949.2, NM_001353950.2 and 2 more transcripts); c.4426A>T, p.Asn1476Tyr (NM_001202435.3, NM_001353948.2); short protein forms N1448Y, N1447Y, N1464Y, N1465Y, N1476Y, N662Y.
Identifiers: ClinVar variation 1968524 (VCV001968524.5), dbSNP rs2468394060, ClinGen allele CA349049314.

ClinVar aggregate classification (germline): Likely pathogenic (1 of 4 stars; one submission).

Conditions:
Early-infantile DEE. Also called: Early infantile epileptic encephalopathy; Ohtahara syndrome; Early infantile epileptic encephalopathy with suppression bursts. Identifiers: Orphanet 1934, MedGen C0393706, MONDO:0800491.

Submission:

Labcorp Genetics (formerly Invitae), Labcorp
Classification: Likely pathogenic for Early-infantile DEE. Last evaluated: 2022-06-19. Review status: criteria provided, single submitter. Criteria: Invitae Variant Classification Sherloc (09022015). Collection method: clinical testing. Allele origin: germline.
Comment: This sequence change replaces asparagine, which is neutral and polar, with tyrosine, which is neutral and polar, at codon 1476 of the SCN1A protein (p.Asn1476Tyr). In summary, the currently available evidence indicates that the variant is pathogenic, but additional data are needed to prove that conclusively. Therefore, this variant has been classified as Likely Pathogenic. This variant disrupts the p.Asn1476 amino acid residue in SCN1A. Other variant(s) that disrupt this residue have been determined to be pathogenic (Invitae). This suggests that this residue is clinically significant, and that variants that disrupt this residue are likely to be disease-causing. Advanced modeling of protein sequence and biophysical properties (such as structural, functional, and spatial information, amino acid conservation, physicochemical variation, residue mobility, and thermodynamic stability) performed at Invitae indicates that this missense variant is expected to disrupt SCN1A protein function. This variant has not been reported in the literature in individuals affected with SCN1A-related conditions. This variant is not present in population databases (gnomAD no frequency).